The following is an entry in ClinVar:

ClinVar aggregate classification (germline): Pathogenic. Review status: reviewed by expert panel (3 of 4 stars). 2 submissions from 2 submitters: Pathogenic (1). 1 of the submissions does not count toward it. Last evaluated 2017-12-15.

Conditions:
Hereditary cancer-predisposing syndrome. Also called: Tumor predisposition; Neoplastic Syndromes, Hereditary; Hereditary Cancer Syndrome; Hereditary neoplastic syndrome. Identifiers: Orphanet 140162, MedGen C0027672, MeSH D009386, MONDO:0015356.
Breast-ovarian cancer, familial, susceptibility to, 2 (BROVCA2). Also called: BRCA2 Hereditary Breast and Ovarian Cancer. Identifiers: Orphanet 145, MedGen C2675520, MONDO:0012933, OMIM 612555. Disease mechanism: loss of function.

Submissions (2):

Evidence-based Network for the Interpretation of Germline Mutant Alleles (ENIGMA)
Classification: Pathogenic for Breast-ovarian cancer, familial, susceptibility to, 2. Last evaluated: 2017-12-15. Review status: reviewed by expert panel. Criteria: ENIGMA BRCA1/2 Classification Criteria (2017-06-29). Collection method: curation. Allele origin: germline. Study: ENIGMA.
Comment: Variant allele predicted to encode a truncated non-functional protein.

Ambry Genetics
Classification: Pathogenic for Hereditary cancer-predisposing syndrome. Last evaluated: 2023-05-30. Review status: criteria provided, single submitter. Criteria: Ambry Variant Classification Scheme 2023. Collection method: clinical testing. Allele origin: germline. Not counted in ClinVar's aggregate classification.
Comment: The p.L2132* pathogenic mutation (also known as c.6395T>G), located in coding exon 10 of the BRCA2 gene, results from a T to G substitution at nucleotide position 6395. This changes the amino acid from a leucine to a stop codon within coding exon 10. This alteration is expected to result in loss of function by premature protein truncation or nonsense-mediated mRNA decay. As such, this alteration is interpreted as a disease-causing mutation.

NM_000059.4(BRCA2):c.6395T>G (p.Leu2132Ter)

Gene: BRCA2 (BRCA2 DNA repair associated; plus strand). Cytogenetic location: 13q13.1.
Variant type: single nucleotide variant.
Coding change: c.6395T>G on transcript NM_000059.4 (MANE Select); coding-DNA position 6395, T replaced by G.
Protein change: p.Leu2132Ter; replaces leucine 2132 with a stop codon.
Molecular consequence: nonsense.
Genome position (GRCh38, 1-based): chr13:32,340,750, T>G. VCF-style: chr13-32340750-T-G. GRCh37 (hg19) VCF-style: chr13-32914887-T-G.
Other names: short protein forms L2132*.
Identifiers: ClinVar variation 479358 (VCV000479358.8), dbSNP rs1555284658, ClinGen allele CA387789224.